The following is an entry in ClinVar:

NM_006180.6(NTRK2):c.491A>T (p.Glu164Val)

Gene: NTRK2 (neurotrophic receptor tyrosine kinase 2; plus strand). Cytogenetic location: 9q21.33.
Variant type: single nucleotide variant.
Coding change: c.491A>T on transcript NM_006180.6 (MANE Select); coding-DNA position 491, A replaced by T.
Protein change: p.Glu164Val; replaces glutamic acid 164 with valine.
Molecular consequence: missense variant.
Genome position (GRCh38, 1-based): chr9:84,710,699, A>T. VCF-style: chr9-84710699-A-T. GRCh37 (hg19) VCF-style: chr9-87325614-A-T.
Other names: c.491A>T, p.Glu164Val (NM_001381928.1, NM_001007097.3, NM_001018064.3 and 19 more transcripts); c.23A>T, p.Glu8Val (NM_001369535.1, NM_001369536.1, NM_001369550.1 and 2 more transcripts); short protein forms E164V, E8V.
Identifiers: ClinVar variation 2970179 (VCV002970179.3), dbSNP rs200773017, ClinGen allele CA195744687.

ClinVar aggregate classification (germline): Uncertain significance (1 of 4 stars; one submission).

Allele frequency attached by ClinVar (database versions not stated): TOPMed below 0.00001.
gnomAD v4.1: 10 of 1,614,202 alleles (0.00062%); highest among the groups gnomAD compares: Non-Finnish European, 0.00085%; no homozygotes.

Submission:

Labcorp Genetics (formerly Invitae), Labcorp
Classification: Uncertain significance. Last evaluated: 2024-01-21. Review status: criteria provided, single submitter. Criteria: Invitae Variant Classification Sherloc (09022015). Collection method: clinical testing. Allele origin: germline.
Comment: This sequence change replaces glutamic acid, which is acidic and polar, with valine, which is neutral and non-polar, at codon 164 of the NTRK2 protein (p.Glu164Val). This variant is not present in population databases (gnomAD no frequency). This variant has not been reported in the literature in individuals affected with NTRK2-related conditions. Advanced modeling of protein sequence and biophysical properties (such as structural, functional, and spatial information, amino acid conservation, physicochemical variation, residue mobility, and thermodynamic stability) performed at Invitae indicates that this missense variant is not expected to disrupt NTRK2 protein function with a negative predictive value of 80%. In summary, the available evidence is currently insufficient to determine the role of this variant in disease. Therefore, it has been classified as a Variant of Uncertain Significance.